The following is an entry in ClinVar:

ClinVar aggregate classification (germline): Uncertain significance. Review status: criteria provided, multiple submitters, no conflicts (2 of 4 stars). 3 submissions from 3 submitters: Uncertain significance (3). Last evaluated 2025-09-28.

Conditions:
Bloom syndrome (BLM). Also called: Bloom-Torre-Machacek syndrome. Identifiers: Orphanet 125, MedGen C0005859, MONDO:0008876, OMIM 210900.
Hereditary cancer-predisposing syndrome. Also called: Hereditary neoplastic syndrome; Tumor predisposition; Neoplastic Syndromes, Hereditary; Hereditary Cancer Syndrome. Identifiers: Orphanet 140162, MedGen C0027672, MeSH D009386, MONDO:0015356.

Allele frequency attached by ClinVar (database versions not stated): TOPMed below 0.00001; gnomAD 0.00001; 1000 Genomes Project 30x 0.00016; 1000 Genomes Project 0.00020.
gnomAD v4.1: 5 of 1,610,792 alleles (0.00031%); highest among the groups gnomAD compares: Admixed American, 0.0017%; no homozygotes.

Submissions (3):

Ambry Genetics
Classification: Uncertain significance for Hereditary cancer-predisposing syndrome. Last evaluated: 2025-09-28. Review status: criteria provided, single submitter. Criteria: Ambry Variant Classification Scheme 2023. Collection method: clinical testing. Allele origin: germline.
Comment: The p.L410F variant (also known as c.1228C>T), located in coding exon 6 of the BLM gene, results from a C to T substitution at nucleotide position 1228. The leucine at codon 410 is replaced by phenylalanine, an amino acid with highly similar properties. This amino acid position is highly conserved in available vertebrate species. In addition, the in silico prediction for this alteration is inconclusive. Since supporting evidence is limited at this time, the clinical significance of this alteration remains unclear.

Labcorp Genetics (formerly Invitae), Labcorp
Classification: Uncertain significance for Bloom syndrome. Last evaluated: 2025-05-06. Review status: criteria provided, single submitter. Criteria: Invitae Variant Classification Sherloc (09022015). Collection method: clinical testing. Allele origin: germline.
Comment: This sequence change replaces leucine, which is neutral and non-polar, with phenylalanine, which is neutral and non-polar, at codon 410 of the BLM protein (p.Leu410Phe). This variant is present in population databases (rs200688933, gnomAD 0.003%). This missense change has been observed in individual(s) with breast cancer (PMID: 35264596). ClinVar contains an entry for this variant (Variation ID: 570706). Invitae Evidence Modeling of protein sequence and biophysical properties (such as structural, functional, and spatial information, amino acid conservation, physicochemical variation, residue mobility, and thermodynamic stability) indicates that this missense variant is not expected to disrupt BLM protein function with a negative predictive value of 80%. In summary, the available evidence is currently insufficient to determine the role of this variant in disease. Therefore, it has been classified as a Variant of Uncertain Significance.

Mendelics
Classification: Uncertain significance for Bloom syndrome. Last evaluated: 2018-07-02. Review status: criteria provided, single submitter. Criteria: Mendelics Assertion Criteria 2017. Collection method: clinical testing. Allele origin: unknown.

Literature cited by the submitters: PubMed 35264596 (cited by Labcorp Genetics (formerly Invitae), Labcorp).

NM_000057.4(BLM):c.1228C>T (p.Leu410Phe)

Gene: BLM (BLM RecQ like helicase; plus strand). Cytogenetic location: 15q26.1.
Variant type: single nucleotide variant.
Coding change: c.1228C>T on transcript NM_000057.4 (MANE Select); coding-DNA position 1228, C replaced by T.
Protein change: p.Leu410Phe; replaces leucine 410 with phenylalanine.
Molecular consequence: missense variant.
Genome position (GRCh38, 1-based): chr15:90,760,601, C>T. VCF-style: chr15-90760601-C-T. GRCh37 (hg19) VCF-style: chr15-91303831-C-T.
Other names: c.1228C>T, p.Leu410Phe (NM_001287246.2, NM_001287247.2); c.103C>T, p.Leu35Phe (NM_001287248.2); short protein forms L410F, L35F.
Identifiers: ClinVar variation 570706 (VCV000570706.12), dbSNP rs200688933, ClinGen allele CA7738506.
Genomic context (GRCh38, chr15:90,760,601, plus strand): 5'-CTACCAGAGTAAACTACTTATATTTAATACGTTGTTCTCTTTTCTCTCTTCAGAAGGAAA[C>T]TTCTAACGGAAGTAGATTTTAATAAAAGTGATGCCAGTCTTCTTGGCTCATTGTGGAGAT-3'
Protein context (NP_000048.1, residues 400-420): LLQQRNIRRK[Leu410Phe]LTEVDFNKSD